The following is an entry in ClinVar:

NM_002336.3(LRP6):c.3184G>A (p.Val1062Ile)

Gene: LRP6 (LDL receptor related protein 6; minus strand). Cytogenetic location: 12p13.2.
Variant type: single nucleotide variant.
Coding change: c.3184G>A on transcript NM_002336.3 (MANE Select); coding-DNA position 3184, G replaced by A.
Protein change: p.Val1062Ile; replaces valine 1062 with isoleucine.
Molecular consequence: missense variant.
Genome position (GRCh38, 1-based): chr12:12,148,964, C>T on the plus strand (G>A on the coding strand, the complement: LRP6 is on the minus strand). VCF-style: chr12-12148964-C-T. GRCh37 (hg19) VCF-style: chr12-12301898-C-T.
Other names: p.Val1062Ile; short protein forms V1062I.
Identifiers: ClinVar variation 1575699 (VCV001575699.10), dbSNP rs2302685, ClinGen allele CA6455316.

ClinVar aggregate classification (germline): Benign. Review status: criteria provided, multiple submitters, no conflicts (2 of 4 stars). 3 submissions from 3 submitters: Benign (3). Last evaluated 2026-02-04.

Allele frequency attached by ClinVar (database versions not stated): gnomAD 0.83937 and 0.84344; 1000 Genomes Project 30x 0.88554; ESP Exome Variant Server 0.84000; TOPMed 0.84926; gnomAD exomes 0.85093; 1000 Genomes Project 0.88558; ExAC 0.84739.
gnomAD v4.1: 1,332,523 of 1,612,742 alleles (83%); highest among the groups gnomAD compares: East Asian, 94%; 551,676 homozygotes.

Submissions (3):

Labcorp Genetics (formerly Invitae), Labcorp
Classification: Benign. Last evaluated: 2026-02-04. Review status: criteria provided, single submitter. Criteria: Invitae Variant Classification Sherloc (09022015). Collection method: clinical testing. Allele origin: germline.

Mayo Clinic Laboratories, Mayo Clinic
Classification: Benign. Last evaluated: 2022-03-20. Review status: criteria provided, single submitter. Criteria: ACMG Guidelines, 2015. Collection method: clinical testing. Allele origin: germline. Observed: 685 variant alleles.
Comment: BA1

Breakthrough Genomics
Classification: Benign. Review status: criteria provided, single submitter. Criteria: ACMG Guidelines, 2015. Collection method: not provided. Allele origin: germline. Inheritance: Autosomal dominant inheritance. Affected: yes.